The following is an entry in ClinVar:

ClinVar aggregate classification (germline): Uncertain significance. Review status: criteria provided, multiple submitters, no conflicts (2 of 4 stars). 2 submissions from 2 submitters: Uncertain significance (2). Last evaluated 2024-01-09.

Conditions:
Inborn genetic diseases. Identifiers: MedGen C0950123, MeSH D030342.

Allele frequency attached by ClinVar (database versions not stated): TOPMed below 0.00001; gnomAD exomes 0.00001.

Submissions (2):

Women's Health and Genetics/Laboratory Corporation of America, LabCorp
Classification: Uncertain significance. Last evaluated: 2024-01-09. Review status: criteria provided, single submitter. Criteria: LabCorp Variant Classification Summary - May 2015. Collection method: clinical testing. Allele origin: germline.
Comment: Variant summary: DUOX2 c.838G>A (p.Glu280Lys) results in a conservative amino acid change located in the peroxidase domain (IPR034821) of the encoded protein sequence. Four of five in-silico tools predict a benign effect of the variant on protein function. The variant allele was found at a frequency of 9.3e-06 in 1283548 control chromosomes (i.e., 12 alleles, no homozygotes; gnomAD v4.0.0). The available data on variant occurrences in the general population are insufficient to allow any conclusion about variant significance. To our knowledge, no occurrence of c.838G>A in individuals affected with Thyroid Dyshormonogenesis 6 and no experimental evidence demonstrating its impact on protein function have been reported. ClinVar contains an entry for this variant (Variation ID: 2285647). Based on the evidence outlined above, the variant was classified as uncertain significance.

Ambry Genetics
Classification: Uncertain significance for Inborn genetic diseases. Last evaluated: 2022-04-25. Review status: criteria provided, single submitter. Criteria: Ambry Variant Classification Scheme 2023. Collection method: clinical testing. Allele origin: germline.

NM_001363711.2(DUOX2):c.838G>A (p.Glu280Lys)

Gene: DUOX2 (dual oxidase 2; minus strand). Cytogenetic location: 15q21.1.
Variant type: single nucleotide variant.
Coding change: c.838G>A on transcript NM_001363711.2 (MANE Select); coding-DNA position 838, G replaced by A.
Protein change: p.Glu280Lys; replaces glutamic acid 280 with lysine.
Molecular consequence: missense variant.
Genome position (GRCh38, 1-based): chr15:45,111,155, C>T on the plus strand (G>A on the coding strand, the complement: DUOX2 is on the minus strand). VCF-style: chr15-45111155-C-T. GRCh37 (hg19) VCF-style: chr15-45403353-C-T.
Other names: c.838G>A, p.Glu280Lys (NM_014080.5); short protein forms E280K.
Identifiers: ClinVar variation 2285647 (VCV002285647.3), dbSNP rs912581499, ClinGen allele CA270133406.